The following is an entry in ClinVar:

NC_000002.11:g.(?_219527335)_(219528514_?)del

Gene: BCS1L (BCS1 homolog, ubiquinol-cytochrome c reductase complex chaperone; plus strand). Cytogenetic location: 2q35.
Variant type: Deletion.
Identifiers: ClinVar variation 3247521 (VCV003247521.1).

ClinVar aggregate classification (germline): Pathogenic (1 of 4 stars; one submission).

Submission:

Labcorp Genetics (formerly Invitae), Labcorp
Classification: Pathogenic. Last evaluated: 2023-09-27. Review status: criteria provided, single submitter. Criteria: Invitae Variant Classification Sherloc (09022015). Collection method: clinical testing. Allele origin: unknown.
Comment: This variant results in the deletion of exons 8-9 and part of exon 7 (c.822_*405del) of the BCS1L gene. While this deletion is not anticipated to lead to nonsense mediated decay, it is expected to alter mRNA translation or result in a truncated protein product. This variant has not been reported in the literature in individuals affected with BCS1L-related conditions. This variant disrupts a region of the BCS1L protein in which other variant(s) (p.Arg306His) have been determined to be pathogenic (PMID: 17314340, 28105683). This suggests that this is a clinically significant region of the protein, and that variants that disrupt it are likely to be disease-causing. For these reasons, this variant has been classified as Pathogenic.

Literature cited by the submitters: PubMed 17314340; PubMed 28105683.